The following is an entry in ClinVar:

ClinVar aggregate classification (germline): Uncertain significance (1 of 4 stars; one submission).

gnomAD v4.1: 6 of 1,544,750 alleles (0.00039%); highest among the groups gnomAD compares: Non-Finnish European, 0.00044%; no homozygotes.

Submission:

GeneDx
Classification: Uncertain significance. Last evaluated: 2024-04-08. Review status: criteria provided, single submitter. Criteria: GeneDx Variant Classification Process June 2021. Collection method: clinical testing. Allele origin: germline. Affected: yes.
Comment: Not observed at significant frequency in large population cohorts (gnomAD); In silico analysis indicates that this missense variant does not alter protein structure/function; Has not been previously published as pathogenic or benign to our knowledge

NM_001374828.1(ARID1B):c.633G>T (p.Gln211His)

Genes: ARID1B (AT-rich interaction domain 1B; plus strand), LOC115308161 (uncharacterized LOC115308161; minus strand). Cytogenetic location: 6q25.3.
Variant type: single nucleotide variant.
Coding change: c.633G>T on transcript NM_001374828.1 (MANE Select); coding-DNA position 633, G replaced by T.
Protein change: p.Gln211His; replaces glutamine 211 with histidine.
Molecular consequence: missense variant. On other transcripts: non-coding transcript variant (1).
Genome position (GRCh38, 1-based): chr6:156,778,313, G>T. VCF-style: chr6-156778313-G-T. GRCh37 (hg19) VCF-style: chr6-157099447-G-T.
Other names: c.633G>T, p.Gln211His (NM_001371656.1, NM_001374820.1, NM_017519.3); c.384G>T (NM_020732.3); short protein forms Q211H.
Identifiers: ClinVar variation 3372048 (VCV003372048.1).